The following is an entry in ClinVar:

NM_001040424.3(PRDM15):c.894C>T (p.Thr298=)

Gene: PRDM15 (PR/SET domain 15; minus strand). Cytogenetic location: 21q22.3.
Variant type: single nucleotide variant.
Coding change: c.894C>T on transcript NM_001040424.3 (MANE Select); coding-DNA position 894, C replaced by T.
Protein change: p.Thr298=; no amino-acid change (threonine 298 retained).
Molecular consequence: synonymous variant. On other transcripts: non-coding transcript variant (4).
Genome position (GRCh38, 1-based): chr21:41,838,041, G>A on the plus strand (C>T on the coding strand, the complement: PRDM15 is on the minus strand). VCF-style: chr21-41838041-G-A. GRCh37 (hg19) VCF-style: chr21-43258150-G-A.
Other names: c.894C>T, p.Thr298= (NM_001282934.2); c.1092C>T, p.Thr364= (NM_022115.7).
Identifiers: ClinVar variation 2652688 (VCV002652688.24), dbSNP rs753793845, ClinGen allele CA10036884.
Genomic context (GRCh38, chr21:41,838,041, plus strand): 5'-AACCAGCTCCATGATCCGCTCATCTGGCGTTGCACTCACAGGCTCATCCGGAGGGACCTC[G>A]GTAATGATCTCTGCCACTTGCTCTGTACGAAGGGGATGTGACAAGCTAAGTAACCACAAG-3'
Protein context (NP_001035514.2, residues 288-308): EPTEQVAEII[Thr298=]EVPPDEPVSA

ClinVar aggregate classification (germline): Likely benign (1 of 4 stars; one submission).

Allele frequency attached by ClinVar (database versions not stated): TOPMed 0.00001; ExAC 0.00002; gnomAD 0.00002; gnomAD exomes 0.00002.
gnomAD v4.1: 25 of 1,613,994 alleles (0.0015%); highest among the groups gnomAD compares: East Asian, 0.036%; no homozygotes.

Submission:

CeGaT Center for Human Genetics Tuebingen
Classification: Likely benign. Last evaluated: 2022-03-01. Review status: criteria provided, single submitter. Criteria: CeGaT Center For Human Genetics Tuebingen Variant Classification Criteria Version 2. Collection method: clinical testing. Allele origin: germline. Affected: yes. Observed: 1 variant allele.
Comment: PRDM15: BP4, BP7